The following is an entry in ClinVar:

NM_020706.2(SCAF4):c.2066C>T (p.Pro689Leu)

Gene: SCAF4 (SR-related CTD associated factor 4; minus strand). Cytogenetic location: 21q22.11.
Variant type: single nucleotide variant.
Coding change: c.2066C>T on transcript NM_020706.2 (MANE Select); coding-DNA position 2066, C replaced by T.
Protein change: p.Pro689Leu; replaces proline 689 with leucine.
Molecular consequence: missense variant.
Genome position (GRCh38, 1-based): chr21:31,685,711, G>A on the plus strand (C>T on the coding strand, the complement: SCAF4 is on the minus strand). VCF-style: chr21-31685711-G-A. GRCh37 (hg19) VCF-style: chr21-33058024-G-A.
Other names: c.2021C>T, p.Pro674Leu (NM_001145444.1); c.2066C>T, p.Pro689Leu (NM_001145445.1); short protein forms P674L, P689L.
Identifiers: ClinVar variation 4528175 (VCV004528175.1).

ClinVar aggregate classification (germline): Uncertain significance (1 of 4 stars; one submission).

gnomAD v4.1: 5 of 1,604,494 alleles (0.00031%); highest among the groups gnomAD compares: Non-Finnish European, 0.00043%; no homozygotes.

Submission:

GeneDx
Classification: Uncertain significance. Last evaluated: 2025-05-08. Review status: criteria provided, single submitter. Criteria: GeneDx Variant Classification Process June 2021. Collection method: clinical testing. Allele origin: germline. Affected: yes.
Comment: In silico analysis suggests that this missense variant does not alter protein structure/function; Has not been previously published as pathogenic or benign to our knowledge